The following is an entry in ClinVar:

NM_000492.4(CFTR):c.3763T>C (p.Ser1255Pro)

Genes: CFTR (CF transmembrane conductance regulator; plus strand), CFTR-AS2 (CFTR antisense RNA 2; minus strand). Cytogenetic location: 7q31.2.
Variant type: single nucleotide variant.
Coding change: c.3763T>C on transcript NM_000492.4 (MANE Select); coding-DNA position 3763, T replaced by C.
Protein change: p.Ser1255Pro; replaces serine 1255 with proline.
Molecular consequence: missense variant.
Genome position (GRCh38, 1-based): chr7:117,642,483, T>C. VCF-style: chr7-117642483-T-C. GRCh37 (hg19) VCF-style: chr7-117282537-T-C.
Other names: short protein forms S1255P.
Identifiers: ClinVar variation 7192 (VCV000007192.20), dbSNP rs121909041, ClinGen allele CA325580.

ClinVar aggregate classification (germline): Pathogenic; drug response. Review status: reviewed by expert panel (3 of 4 stars). 10 submissions from 10 submitters: Pathogenic (1). 8 of the submissions do not count toward it. Last evaluated 2021-03-24.

Conditions:
CFTR-related disorder (CFTR-RD). Also called: CFTR-related condition; CFTR-related disorders. Identifiers: MedGen C5924204, MONDO:7770004.
ivacaftor response - Efficacy. Identifiers: MedGen CN322735.
Hereditary pancreatitis (PCTT). Also called: PRSS1-Related Hereditary Pancreatitis; Hereditary chronic pancreatitis. Identifiers: Orphanet 676, MedGen C0238339, MONDO:0008185, OMIM 167800.
Cystic fibrosis (CF). Also called: MUCOVISCIDOSIS. Identifiers: Orphanet 586, MedGen C0010674, MONDO:0009061, OMIM 219700. Disease mechanism: loss of function.

Submissions (10):

ClinPGx
Classification: drug response for ivacaftor response - Efficacy. Last evaluated: 2021-03-24. Review status: reviewed by expert panel. Criteria: Pharmacogenomics knowledge for personalized medicine. Collection method: curation. Allele origin: germline. Affected: yes.
Comment: PharmGKB Level of Evidence 1A: Level 1A clinical annotations describe variant-drug combinations that have variant-specific prescribing guidance available in a current clinical guideline annotation or an FDA-approved drug label annotation. Annotations of drug labels or clinical guidelines must give prescribing guidance for specific variants (e.g. CYP2C9*3, HLA-B*57:01) or provide mapping from defined allele functions to diplotypes and phenotypes to be used as supporting evidence for a level 1A clinical annotation. Level 1A clinical annotations must also be supported by at least one publication in addition to a clinical guideline or drug label with variant-specific prescribing guidance.

Drug is not necessarily used to treat response condition

CFTR2
Classification: Pathogenic for Cystic fibrosis. Last evaluated: 2017-03-17. Review status: reviewed by expert panel. Criteria: Sosnay PR et al. (Nat Genet 2013). Collection method: research. Allele origin: germline. Affected: yes. Study: CFTR2.

Natera, Inc.
Classification: Pathogenic for CFTR-related disorders. Last evaluated: 2025-07-21. Review status: criteria provided, single submitter. Criteria: Natera Variant Classification Schema (03/2026). Collection method: clinical testing. Allele origin: germline. Not counted in ClinVar's aggregate classification.
Comment: The c.3763T>C variant in CFTR is a missense variant predicted to cause substitution of serine to proline at amino acid 1255. This variant is rare in the general population with a frequency below the threshold expected for the associated phenotype(s). This variant has been observed in one or more individuals affected with the associated recessive disease, as either homozygous or compound heterozygous with a second variant (PMID: 30134826, 30548586). Computational prediction algorithms indicate this variant is likely to affect gene or protein function. Given the available evidence, this variant is classified as Pathogenic.

Labcorp Genetics (formerly Invitae), Labcorp
Classification: Pathogenic for Cystic fibrosis. Last evaluated: 2025-06-04. Review status: criteria provided, single submitter. Criteria: Invitae Variant Classification Sherloc (09022015). Collection method: clinical testing. Allele origin: germline. Not counted in ClinVar's aggregate classification.
Comment: This sequence change replaces serine, which is neutral and polar, with proline, which is neutral and non-polar, at codon 1255 of the CFTR protein (p.Ser1255Pro). This variant is not present in population databases (gnomAD no frequency). This missense change has been observed in individual(s) with cystic fibrosis (PMID: 1284530, 30548586). In at least one individual the data is consistent with being in trans (on the opposite chromosome) from a pathogenic variant. ClinVar contains an entry for this variant (Variation ID: 7192). Invitae Evidence Modeling of protein sequence and biophysical properties (such as structural, functional, and spatial information, amino acid conservation, physicochemical variation, residue mobility, and thermodynamic stability) indicates that this missense variant is expected to disrupt CFTR protein function with a positive predictive value of 80%. Experimental studies have shown that this missense change affects CFTR function (PMID: 11242048). For these reasons, this variant has been classified as Pathogenic.

Ambry Genetics
Classification: Pathogenic for Cystic fibrosis. Last evaluated: 2024-10-16. Review status: criteria provided, single submitter. Criteria: Ambry Variant Classification Scheme 2023. Collection method: clinical testing. Allele origin: germline. Not counted in ClinVar's aggregate classification.
Comment: The p.S1255P pathogenic mutation (also known as c.3763T>C), located in coding exon 23 of the CFTR gene, results from a T to C substitution at nucleotide position 3763. The serine at codon 1255 is replaced by proline, an amino acid with similar properties. This alteration is considered a class III mutation, meaning it produces a full-length CFTR protein which incorporates normally into the cell membrane, but has defective gating and blocks the flow of chloride ions through the CFTR channel (De Boeck K et al. J. Cyst. Fibros., 2014 Jul;13:403-9). This mutation was identified in a individual diagnosed with cystic fibrosis confirmed with sweat chloride levels in trans with p.F508del (Lissens W et al. Hum. Mol. Genet., 1992 Sep;1:441-2). This amino acid position is not well conserved in available vertebrate species. In addition, this alteration is predicted to be deleterious by in silico analysis. Based on the supporting evidence, this variant is interpreted as a disease-causing mutation.

Blueprint Genetics
Classification: Pathogenic for CFTR-related disorders. Last evaluated: 2022-06-30. Review status: criteria provided, single submitter. Criteria: ACMG Guidelines, 2015. Collection method: clinical testing. Allele origin: germline. Affected: yes. Observed: 1 variant allele. Not counted in ClinVar's aggregate classification.

Mendelics
Classification: Pathogenic for Hereditary pancreatitis. Last evaluated: 2022-05-04. Review status: criteria provided, single submitter. Criteria: Mendelics Assertion Criteria 2019. Collection method: clinical testing. Allele origin: germline. Not counted in ClinVar's aggregate classification.

Women's Health and Genetics/Laboratory Corporation of America, LabCorp
Classification: Pathogenic for Cystic fibrosis. Last evaluated: 2017-07-10. Review status: criteria provided, single submitter. Criteria: LabCorp Variant Classification Summary - May 2015. Collection method: clinical testing. Allele origin: germline. Not counted in ClinVar's aggregate classification.
Comment: Variant summary: The CFTR variant, c.3763T>C (p.Ser1255Pro) involves a conserved nucleotide located in the nucleotide-binding domain 2 that 4/4 in silico tools predict damaging outcome. This variant is absent in 121154 ExAC chromosomes. It has also been reported in another two CF patients without detailed genotype information (Claustres_2000, Schrijver_2016). Currently, it has been reported in 10 CF patients in CFTR2 database. Functional studies have shown that S1255P is defective in channel gating as well as chloride transport (Anderson_1992, Choi_2001, Yu_2012). These defects were shown to be compensated by ivacaftor treatment (Yu_2012). In addition, multiple clinical diagnostic laboratories/reputable databases classified this variant as likely pathogenic/pathogenic. Taken together, this variant is classified as pathogenic.

Counsyl
Classification: Likely pathogenic for Cystic fibrosis. Last evaluated: 2016-08-23. Review status: no assertion criteria provided. Collection method: clinical testing. Allele origin: unknown. Not counted in ClinVar's aggregate classification.

OMIM
Classification: Pathogenic for CYSTIC FIBROSIS. Last evaluated: 1993-01-01. Review status: no assertion criteria provided. Collection method: literature only. Allele origin: germline. Not counted in ClinVar's aggregate classification.

Literature cited by the submitters: PubMed 22293084 (cited by 3 submitters); PubMed 25266159 (cited by ClinPGx); PubMed 30134826 (cited by Natera, Inc.); PubMed 30548586 (cited by Natera, Inc. and Labcorp Genetics (formerly Invitae), Labcorp); PubMed 1284530 (cited by 3 submitters); PubMed 11242048 (cited by 3 submitters); PubMed 24440181 (cited by Ambry Genetics); PubMed 7543317 (cited by Women's Health and Genetics/Laboratory Corporation of America, LabCorp); PubMed 26708955 (cited by Women's Health and Genetics/Laboratory Corporation of America, LabCorp and Counsyl); PubMed 1382316 (cited by Women's Health and Genetics/Laboratory Corporation of America, LabCorp and Counsyl); PubMed 10923036 (cited by Women's Health and Genetics/Laboratory Corporation of America, LabCorp); PubMed 8477260 (cited by Women's Health and Genetics/Laboratory Corporation of America, LabCorp and Counsyl); PubMed 7504969 (cited by OMIM).